The following is an entry in ClinVar:

NM_032119.4(ADGRV1):c.2564del (p.His855fs)

Gene: ADGRV1 (adhesion G protein-coupled receptor V1; plus strand). Cytogenetic location: 5q14.3.
Variant type: Deletion.
Coding change: c.2564del on transcript NM_032119.4 (MANE Select); coding-DNA position 2564, one base deleted (A; older notation c.2564delA).
Protein change: p.His855fs; shifts the reading frame from histidine 855.
Molecular consequence: frameshift variant. On other transcripts: non-coding transcript variant (1).
Genome position (GRCh38, 1-based): chr5:90,643,813, A deleted. VCF-style (leftmost placement, unchanged base first): chr5-90643812-CA-C. GRCh37 (hg19) VCF-style: chr5-89939629-CA-C.
Other names: short protein forms H855fs.
Identifiers: ClinVar variation 4733941 (VCV004733941.1).
Genomic context (GRCh38, chr5:90,643,812, plus strand): 5'-GTTGTGAAAAGTCAACTTTATAATTTCCATACTTTGACACATTCACTTTAGTTGGATGAA[CA>C]CTACTGGGTGGTCCTCAGCAGCCACGGAGAACGGGAAAGCAAGTTGGGAAGTGCCACCAT-3'

ClinVar aggregate classification (germline): Pathogenic (1 of 4 stars; one submission).

Submission:

Labcorp Genetics (formerly Invitae), Labcorp
Classification: Pathogenic. Last evaluated: 2025-12-22. Review status: criteria provided, single submitter. Criteria: Invitae Variant Classification Sherloc (09022015). Collection method: clinical testing. Allele origin: germline.
Comment: This sequence change creates a premature translational stop signal (p.His855Profs*24) in the ADGRV1 gene. It is expected to result in an absent or disrupted protein product. Loss-of-function variants in ADGRV1 are known to be pathogenic (PMID: 19357117, 22135276, 22147658, 26226137, 30718709, 31047384, 32467589). This variant is not present in population databases (gnomAD no frequency). This variant has not been reported in the literature in individuals affected with ADGRV1-related conditions. For these reasons, this variant has been classified as Pathogenic.

Literature cited by the submitters: PubMed 19357117; PubMed 22135276; PubMed 22147658; PubMed 26226137; PubMed 30718709; PubMed 31047384; PubMed 32467589.